The following is an entry in ClinVar:

ClinVar aggregate classification (germline): Likely pathogenic (1 of 4 stars; one submission).

Conditions:
Early-infantile DEE. Also called: Ohtahara syndrome; Early infantile epileptic encephalopathy; Early infantile epileptic encephalopathy with suppression bursts. Identifiers: Orphanet 1934, MedGen C0393706, MONDO:0800491.

Submission:

Labcorp Genetics (formerly Invitae), Labcorp
Classification: Likely pathogenic for Early-infantile DEE. Last evaluated: 2022-10-19. Review status: criteria provided, single submitter. Criteria: Invitae Variant Classification Sherloc (09022015). Collection method: clinical testing. Allele origin: germline.
Comment: This sequence change replaces alanine, which is neutral and non-polar, with proline, which is neutral and non-polar, at codon 1370 of the SCN1A protein (p.Ala1370Pro). This variant is not present in population databases (gnomAD no frequency). This missense change has been observed in individual(s) with clinical features of Dravet syndrome (PMID: 21248271). ClinVar contains an entry for this variant (Variation ID: 1497788). Advanced modeling of protein sequence and biophysical properties (such as structural, functional, and spatial information, amino acid conservation, physicochemical variation, residue mobility, and thermodynamic stability) performed at Invitae indicates that this missense variant is expected to disrupt SCN1A protein function. This variant disrupts the p.Ala1370 amino acid residue in SCN1A. Other variant(s) that disrupt this residue have been determined to be pathogenic (PMID: 22028529; Invitae). This suggests that this residue is clinically significant, and that variants that disrupt this residue are likely to be disease-causing. In summary, the currently available evidence indicates that the variant is pathogenic, but additional data are needed to prove that conclusively. Therefore, this variant has been classified as Likely Pathogenic.

Literature cited by the submitters: PubMed 21248271; PubMed 22028529.

NM_001165963.4(SCN1A):c.4108G>C (p.Ala1370Pro)

Genes: SCN1A (sodium voltage-gated channel alpha subunit 1; minus strand), LOC102724058 (uncharacterized LOC102724058; plus strand). Cytogenetic location: 2q24.3.
Variant type: single nucleotide variant.
Coding change: c.4108G>C on transcript NM_001165963.4 (MANE Select); coding-DNA position 4108, G replaced by C.
Protein change: p.Ala1370Pro; replaces alanine 1370 with proline.
Molecular consequence: missense variant. On other transcripts: non-coding transcript variant (1).
Genome position (GRCh38, 1-based): chr2:166,002,648, C>G on the plus strand (G>C on the coding strand, the complement: SCN1A is on the minus strand). VCF-style: chr2-166002648-C-G. GRCh37 (hg19) VCF-style: chr2-166859158-C-G.
Other names: c.4024G>C, p.Ala1342Pro (NM_001165964.3, NM_001353957.2, NM_001353958.2); c.4108G>C, p.Ala1370Pro (NM_001202435.3, NM_001353948.2); c.4075G>C, p.Ala1359Pro (NM_001353949.2, NM_001353950.2, NM_001353951.2 and 2 more transcripts); c.4072G>C, p.Ala1358Pro (NM_001353954.2, NM_001353955.2); c.4021G>C, p.Ala1341Pro (NM_001353960.2); c.1666G>C, p.Ala556Pro (NM_001353961.2); short protein forms A1341P, A1342P, A1358P, A1370P, A556P, A1359P.
Identifiers: ClinVar variation 1497788 (VCV001497788.9), dbSNP rs2105509598, ClinGen allele CA349050430.